The following is an entry in ClinVar:

NM_015386.3(COG4):c.1005C>T (p.Phe335=)

Gene: COG4 (component of oligomeric golgi complex 4; minus strand). Cytogenetic location: 16q22.1.
Variant type: single nucleotide variant.
Coding change: c.1005C>T on transcript NM_015386.3 (MANE Select); coding-DNA position 1005, C replaced by T.
Protein change: p.Phe335=; no amino-acid change (phenylalanine 335 retained).
Molecular consequence: synonymous variant. On other transcripts: non-coding transcript variant (1).
Genome position (GRCh38, 1-based): chr16:70,508,462, G>A on the plus strand (C>T on the coding strand, the complement: COG4 is on the minus strand). VCF-style: chr16-70508462-G-A. GRCh37 (hg19) VCF-style: chr16-70542365-G-A.
Other names: c.993C>T, p.Phe331= (NM_001195139.2); c.579C>T, p.Phe193= (NM_001365426.1).
Identifiers: ClinVar variation 471471 (VCV000471471.37), dbSNP rs183569708, ClinGen allele CA8144475.

ClinVar aggregate classification (germline): Likely benign. Review status: criteria provided, multiple submitters, no conflicts (2 of 4 stars). 4 submissions from 4 submitters: Likely benign (3). 1 of the submissions does not count toward it. Last evaluated 2025-12-02.

Conditions:
COG4-congenital disorder of glycosylation. Also called: COG4-CDG; CONGENITAL DISORDER OF GLYCOSYLATION, TYPE IIj; CDG IIj. Identifiers: Orphanet 263501, MedGen C4303552, MONDO:0013281, OMIM 613489.
COG4-related disorder. Also called: COG4-related condition.

Allele frequency attached by ClinVar (database versions not stated): gnomAD 0.00012 and 0.00013; ExAC 0.00021; gnomAD exomes 0.00024 and 0.00016; 1000 Genomes Project 30x 0.00031; 1000 Genomes Project 0.00020; TOPMed 0.00010.
gnomAD v4.1: 309 of 1,613,822 alleles (0.019%); highest among the groups gnomAD compares: South Asian, 0.15%; 3 homozygotes.

Submissions (4):

Labcorp Genetics (formerly Invitae), Labcorp
Classification: Likely benign for COG4-congenital disorder of glycosylation. Last evaluated: 2025-12-02. Review status: criteria provided, single submitter. Criteria: Invitae Variant Classification Sherloc (09022015). Collection method: clinical testing. Allele origin: germline.

CeGaT Center for Human Genetics Tuebingen
Classification: Likely benign. Last evaluated: 2025-09-01. Review status: criteria provided, single submitter. Criteria: CeGaT Center For Human Genetics Tuebingen Variant Classification Criteria Version 2. Collection method: clinical testing. Allele origin: germline. Affected: yes. Observed: 2 variant alleles.
Comment: COG4: BP4, BP7

Blueprint Genetics
Classification: Likely benign. Last evaluated: 2024-11-11. Review status: criteria provided, single submitter. Criteria: ACMG Guidelines, 2015. Collection method: clinical testing. Allele origin: germline.

PreventionGenetics, part of Exact Sciences
Classification: Likely benign for COG4-related condition. Last evaluated: 2020-01-22. Review status: no assertion criteria provided. Collection method: clinical testing. Allele origin: germline. Not counted in ClinVar's aggregate classification.
Comment: This variant is classified as likely benign based on ACMG/AMP sequence variant interpretation guidelines (Richards et al. 2015 PMID: 25741868, with internal and published modifications).